The following is an entry in ClinVar:

NM_000891.3(KCNJ2):c.272C>T (p.Ala91Val)

Gene: KCNJ2 (potassium inwardly rectifying channel subfamily J member 2; plus strand). Cytogenetic location: 17q24.3.
Variant type: single nucleotide variant.
Coding change: c.272C>T on transcript NM_000891.3 (MANE Select); coding-DNA position 272, C replaced by T.
Protein change: p.Ala91Val; replaces alanine 91 with valine.
Molecular consequence: missense variant.
Genome position (GRCh38, 1-based): chr17:70,175,311, C>T. VCF-style: chr17-70175311-C-T. GRCh37 (hg19) VCF-style: chr17-68171452-C-T.
Other names: short protein forms A91V.
Identifiers: ClinVar variation 2925116 (VCV002925116.1), dbSNP rs538004651, ClinGen allele CA8738706.
Genomic context (GRCh38, chr17:70,175,311, plus strand): 5'-ACATCTTCACCACGTGTGTGGACATTCGCTGGCGGTGGATGCTGGTTATCTTCTGCCTGG[C>T]TTTCGTCCTGTCATGGCTGTTTTTTGGCTGTGTGTTTTGGTTGATAGCTCTGCTCCATGG-3'
Protein context (NP_000882.1, residues 81-101): WRWMLVIFCL[Ala91Val]FVLSWLFFGC

ClinVar aggregate classification (germline): Uncertain significance (1 of 4 stars; one submission).

Conditions:
Andersen Tawil syndrome (LQT7). Also called: ANDERSEN CARDIODYSRHYTHMIC PERIODIC PARALYSIS; PERIODIC PARALYSIS, POTASSIUM-SENSITIVE CARDIODYSRHYTHMIC TYPE; Andersen Syndrome; Potassium-sensitive periodic paralysis, ventricular ectopy, and dysmorphic features; LONG QT SYNDROME 7. Identifiers: Orphanet 37553, MedGen C1563715, MONDO:0008222, OMIM 170390.
Short QT syndrome type 3. Identifiers: Orphanet 51083, MedGen C1865018, MONDO:0012314, OMIM 609622.

Allele frequency attached by ClinVar (database versions not stated): gnomAD exomes below 0.00001; gnomAD 0.00001; ExAC 0.00003; 1000 Genomes Project 30x 0.00016; 1000 Genomes Project 0.00020.

Submission:

Labcorp Genetics (formerly Invitae), Labcorp
Classification: Uncertain significance for Short QT syndrome type 3; Andersen Tawil syndrome. Last evaluated: 2023-03-18. Review status: criteria provided, single submitter. Criteria: Invitae Variant Classification Sherloc (09022015). Collection method: clinical testing. Allele origin: germline.
Comment: Advanced modeling of protein sequence and biophysical properties (such as structural, functional, and spatial information, amino acid conservation, physicochemical variation, residue mobility, and thermodynamic stability) performed at Invitae indicates that this missense variant is not expected to disrupt KCNJ2 protein function. This variant has not been reported in the literature in individuals affected with KCNJ2-related conditions. This variant is present in population databases (rs538004651, gnomAD 0.02%). This sequence change replaces alanine, which is neutral and non-polar, with valine, which is neutral and non-polar, at codon 91 of the KCNJ2 protein (p.Ala91Val). In summary, the available evidence is currently insufficient to determine the role of this variant in disease. Therefore, it has been classified as a Variant of Uncertain Significance.